The following is an entry in ClinVar:

NM_007055.4(POLR3A):c.2323_2329del (p.Asn775fs)

Gene: POLR3A (RNA polymerase III subunit A; minus strand). Cytogenetic location: 10q22.3.
Variant type: Deletion.
Coding change: c.2323_2329del on transcript NM_007055.4 (MANE Select); coding-DNA positions 2323 to 2329, 7 bases deleted (AACAGCC; older notation c.2323_2329delAACAGCC).
Protein change: p.Asn775fs; shifts the reading frame from asparagine 775.
Molecular consequence: frameshift variant.
Genome position (GRCh38, 1-based): chr10:78,002,227-78,002,233, GGCTGTT deleted on the plus strand (AACAGCC on the coding strand, the reverse complement: POLR3A is on the minus strand); deleting any 7 consecutive bases within chr10:78,002,227-78,002,234 gives the same sequence; the c. name uses the placement nearest the transcript's 3' end. VCF-style (leftmost placement, unchanged base first): chr10-78002226-GGGCTGTT-G. GRCh37 (hg19) VCF-style: chr10-79761984-GGGCTGTT-G.
Other names: short protein forms N775fs.
Identifiers: ClinVar variation 1034345 (VCV001034345.3), dbSNP rs1847364209, ClinGen allele CA1921507495.

ClinVar aggregate classification (germline): Pathogenic. Review status: criteria provided, multiple submitters, no conflicts (2 of 4 stars). 2 submissions from 2 submitters: Pathogenic (2). Last evaluated 2024-04-30.

Conditions:
Leukodystrophy, hypomyelinating, 7, with or without oligodontia and/or hypogonadotropic hypogonadism (HLD7). Also called: LEUKODYSTROPHY, HYPOMYELINATING, 7, WITH OLIGODONTIA; LEUKODYSTROPHY, HYPOMYELINATING, 7, WITH OLIGODONTIA AND HYPOGONADOTROPIC HYPOGONADISM; LEUKODYSTROPHY, HYPOMYELINATING, 7, WITHOUT OLIGODONTIA OR HYPOGONADOTROPIC HYPOGONADISM; LEUKOENCEPHALOPATHY, HYPOMYELINATING, WITH ATAXIA AND DELAYED DENTITION; ATAXIA, DELAYED DENTITION, AND HYPOMYELINATION; Ataxia, Delayed Dentition and Hypomyelination (ADDH). Identifiers: Orphanet 137639, Orphanet 447893, Orphanet 447896, Orphanet 77295, Orphanet 88637, MedGen CN034185, MONDO:0011897, OMIM 607694.

Submissions (2):

Labcorp Genetics (formerly Invitae), Labcorp
Classification: Pathogenic. Last evaluated: 2024-04-30. Review status: criteria provided, single submitter. Criteria: Invitae Variant Classification Sherloc (09022015). Collection method: clinical testing. Allele origin: germline.
Comment: This sequence change creates a premature translational stop signal (p.Asn775Profs*19) in the POLR3A gene. It is expected to result in an absent or disrupted protein product. Loss-of-function variants in POLR3A are known to be pathogenic (PMID: 21855841, 25339210, 27612211, 30414627, 30450527). This variant is not present in population databases (gnomAD no frequency). This variant has not been reported in the literature in individuals affected with POLR3A-related conditions. ClinVar contains an entry for this variant (Variation ID: 1034345). For these reasons, this variant has been classified as Pathogenic.

Baylor Genetics
Classification: Pathogenic for Leukodystrophy, hypomyelinating, 7, with or without oligodontia and/or hypogonadotropic hypogonadism. Last evaluated: 2018-01-10. Review status: criteria provided, single submitter. Criteria: ACMG Guidelines, 2015. Collection method: clinical testing. Allele origin: paternal. Affected: yes.
Comment: This variant was determined to be pathogenic according to ACMG Guidelines, 2015 [PMID:25741868].

Literature cited by the submitters: PubMed 21855841 (cited by Labcorp Genetics (formerly Invitae), Labcorp); PubMed 25339210 (cited by Labcorp Genetics (formerly Invitae), Labcorp); PubMed 27612211 (cited by Labcorp Genetics (formerly Invitae), Labcorp); PubMed 30414627 (cited by Labcorp Genetics (formerly Invitae), Labcorp); PubMed 30450527 (cited by Labcorp Genetics (formerly Invitae), Labcorp).